The following is an entry in ClinVar:

NM_005802.5(TOPORS):c.830G>A (p.Arg277His)

Gene: TOPORS (TOP1 binding arginine/serine rich protein, E3 ubiquitin ligase; minus strand). Cytogenetic location: 9p21.1.
Variant type: single nucleotide variant.
Coding change: c.830G>A on transcript NM_005802.5 (MANE Select); coding-DNA position 830, G replaced by A.
Protein change: p.Arg277His; replaces arginine 277 with histidine.
Molecular consequence: missense variant.
Genome position (GRCh38, 1-based): chr9:32,543,695, C>T on the plus strand (G>A on the coding strand, the complement: TOPORS is on the minus strand). VCF-style: chr9-32543695-C-T. GRCh37 (hg19) VCF-style: chr9-32543693-C-T.
Other names: c.830G>A (NM_005802.4); c.635G>A, p.Arg212His (NM_001195622.2); short protein forms R277H, R212H.
Identifiers: ClinVar variation 1439110 (VCV001439110.9), dbSNP rs746335853, ClinGen allele CA5020594.

ClinVar aggregate classification (germline): Uncertain significance. Review status: criteria provided, multiple submitters, no conflicts (2 of 4 stars). 2 submissions from 2 submitters: Uncertain significance (2). Last evaluated 2025-08-31.

Conditions:
Inborn genetic diseases. Identifiers: MedGen C0950123, MeSH D030342.

Allele frequency attached by ClinVar (database versions not stated): gnomAD exomes below 0.00001 and 0.00001; TOPMed below 0.00001; ExAC 0.00001; gnomAD 0.00001.

Submissions (2):

Ambry Genetics
Classification: Uncertain significance for Inborn genetic diseases. Last evaluated: 2025-08-31. Review status: criteria provided, single submitter. Criteria: Ambry Variant Classification Scheme 2023. Collection method: clinical testing. Allele origin: germline.

Labcorp Genetics (formerly Invitae), Labcorp
Classification: Uncertain significance. Last evaluated: 2022-06-27. Review status: criteria provided, single submitter. Criteria: Invitae Variant Classification Sherloc (09022015). Collection method: clinical testing. Allele origin: germline.
Comment: This sequence change replaces arginine, which is basic and polar, with histidine, which is basic and polar, at codon 277 of the TOPORS protein (p.Arg277His). This variant is present in population databases (rs746335853, gnomAD 0.0009%). This variant has not been reported in the literature in individuals affected with TOPORS-related conditions. Algorithms developed to predict the effect of missense changes on protein structure and function are either unavailable or do not agree on the potential impact of this missense change (SIFT: "Tolerated"; PolyPhen-2: "Probably Damaging"; Align-GVGD: "Class C0"). In summary, the available evidence is currently insufficient to determine the role of this variant in disease. Therefore, it has been classified as a Variant of Uncertain Significance.